The following is an entry in ClinVar:

ClinVar aggregate classification (germline): Uncertain significance (1 of 4 stars; one submission).

gnomAD v4.1: 7 of 1,598,832 alleles (0.00044%); highest among the groups gnomAD compares: Admixed American, 0.0034%; no homozygotes.

Submission:

Labcorp Genetics (formerly Invitae), Labcorp
Classification: Uncertain significance. Last evaluated: 2025-03-02. Review status: criteria provided, single submitter. Criteria: Invitae Variant Classification Sherloc (09022015). Collection method: clinical testing. Allele origin: germline.
Comment: This sequence change replaces glycine, which is neutral and non-polar, with arginine, which is basic and polar, at codon 354 of the NFATC1 protein (p.Gly354Arg). This variant is present in population databases (no rsID available, gnomAD 0.006%). This variant has not been reported in the literature in individuals affected with NFATC1-related conditions. An algorithm developed to predict the effect of missense changes on protein structure and function (PolyPhen-2) suggests that this variant is likely to be disruptive. In summary, the available evidence is currently insufficient to determine the role of this variant in disease. Therefore, it has been classified as a Variant of Uncertain Significance.

NM_001278669.2(NFATC1):c.1060G>C (p.Gly354Arg)

Gene: NFATC1 (nuclear factor of activated T cells 1; plus strand). Cytogenetic location: 18q23.
Variant type: single nucleotide variant.
Coding change: c.1060G>C on transcript NM_001278669.2 (MANE Select); coding-DNA position 1060, G replaced by C.
Protein change: p.Gly354Arg; replaces glycine 354 with arginine.
Molecular consequence: missense variant. On other transcripts: intron variant (2).
Genome position (GRCh38, 1-based): chr18:79,411,335, G>C. VCF-style: chr18-79411335-G-C. GRCh37 (hg19) VCF-style: chr18-77171335-G-C.
Other names: c.1060G>C, p.Gly354Arg (NM_001278670.2, NM_006162.5, NM_172390.3); c.1021G>C, p.Gly341Arg (NM_001278672.2, NM_001278675.2, NM_172387.3 and 1 more transcripts); c.-191+14984G>C (NM_172388.3); c.-191+10856G>C (NM_001278673.2); short protein forms G341R, G354R.
Identifiers: ClinVar variation 4769488 (VCV004769488.1).